The following is an entry in ClinVar:

ClinVar aggregate classification (germline): Uncertain significance (1 of 4 stars; one submission).

Conditions:
Psoriasis 2. Identifiers: MedGen C1864497, MONDO:0011269, OMIM 602723.
Pityriasis rubra pilaris (PRP). Also called: Pityriasis rubra pilaris--familial type. Identifiers: Orphanet 2897, MedGen C0032027, MONDO:0100017, OMIM 173200, MONDO:0008251.

Allele frequency attached by ClinVar (database versions not stated): gnomAD exomes 0.00002 and 0.00003; ExAC 0.00003; TOPMed 0.00005; gnomAD 0.00006.
gnomAD v4.1: 56 of 1,612,614 alleles (0.0035%); highest among the groups gnomAD compares: Middle Eastern, 0.017%; no homozygotes.

Submission:

Labcorp Genetics (formerly Invitae), Labcorp
Classification: Uncertain significance for Pityriasis rubra pilaris; Psoriasis 2. Last evaluated: 2025-07-15. Review status: criteria provided, single submitter. Criteria: Invitae Variant Classification Sherloc (09022015). Collection method: clinical testing. Allele origin: germline.
Comment: This sequence change replaces valine, which is neutral and non-polar, with isoleucine, which is neutral and non-polar, at codon 448 of the CARD14 protein (p.Val448Ile). This variant is present in population databases (rs760691842, gnomAD 0.008%). This variant has not been reported in the literature in individuals affected with CARD14-related conditions. ClinVar contains an entry for this variant (Variation ID: 666104). Invitae Evidence Modeling of protein sequence and biophysical properties (such as structural, functional, and spatial information, amino acid conservation, physicochemical variation, residue mobility, and thermodynamic stability) indicates that this missense variant is not expected to disrupt CARD14 protein function with a negative predictive value of 95%. In summary, the available evidence is currently insufficient to determine the role of this variant in disease. Therefore, it has been classified as a Variant of Uncertain Significance.

NM_001366385.1(CARD14):c.1342G>A (p.Val448Ile)

Gene: CARD14 (caspase recruitment domain family member 14; plus strand). Cytogenetic location: 17q25.3.
Variant type: single nucleotide variant.
Coding change: c.1342G>A on transcript NM_001366385.1 (MANE Select); coding-DNA position 1342, G replaced by A.
Protein change: p.Val448Ile; replaces valine 448 with isoleucine.
Molecular consequence: missense variant. On other transcripts: non-coding transcript variant (1).
Genome position (GRCh38, 1-based): chr17:80,192,605, G>A. VCF-style: chr17-80192605-G-A. GRCh37 (hg19) VCF-style: chr17-78166404-G-A.
Other names: c.1342G>A, p.Val448Ile (NM_001257970.1, NM_024110.4); c.631G>A, p.Val211Ile (NM_052819.3); short protein forms V211I, V448I.
Identifiers: ClinVar variation 666104 (VCV000666104.9), dbSNP rs760691842, ClinGen allele CA8816763.